The following is an entry in ClinVar:

ClinVar aggregate classification (germline): Pathogenic (0 of 4 stars; one submission).

Conditions:
Pyruvate dehydrogenase E1-alpha deficiency (PDHAD). Also called: ATAXIA, INTERMITTENT, WITH PYRUVATE DEHYDROGENASE DEFICIENCY; ATAXIA WITH LACTIC ACIDOSIS I; ATAXIA, INTERMITTENT, WITH ABNORMAL PYRUVATE METABOLISM; Ataxia, intermittent, with pyruvate dehydrogenase, or decarboxylase, deficiency. Identifiers: Orphanet 79243, MedGen C1839413, MONDO:0010717, OMIM 312170.

Submission:

PDHA1 Study Group, University Children’s Hospital, Paracelsus Medical University
Classification: Pathogenic for Pyruvate dehydrogenase E1-alpha deficiency. Last evaluated: 2024-10-15. Review status: no assertion criteria provided. Collection method: research. Allele origin: de novo. Affected: yes. Observed: 1 variant allele.
Comment: The NM_000284.3:c.862C>A (p.Arg288Ser) substitution is a missense variant in PDHA1 gene. Among them, 1 case had confirmed de novo occurrence. The variant has been reported in 1 published case (PMIDs: 31618753). Last literature search: July 12, 2024. This variant is absent or extremely rare in population-based cohorts in the Genome Aggregation Database (gnomAD). Individuals harboring this variant presented with clinical features compatible with PDHA1-related PDHc deficiency. In summary, this variant meets criteria to be classified as pathogenic (P) for PDHA1-related PDHc deficiency based on the ACMG/AMP criteria applied: PS2, PM1, PM2, PM5, PP3 (last assessment October 15, 2024).

Literature cited by the submitters: PubMed 31618753; DOI 10.1093/brain/awaf430.

NM_000284.4(PDHA1):c.862C>A (p.Arg288Ser)

Gene: PDHA1 (pyruvate dehydrogenase E1 subunit alpha 1; plus strand). Cytogenetic location: Xp22.12.
Variant type: single nucleotide variant.
Coding change: c.862C>A on transcript NM_000284.4 (MANE Select); coding-DNA position 862, C replaced by A.
Protein change: p.Arg288Ser; replaces arginine 288 with serine.
Molecular consequence: missense variant.
Genome position (GRCh38, 1-based): chrX:19,357,682, C>A. VCF-style: chrX-19357682-C-A. GRCh37 (hg19) VCF-style: chrX-19375800-C-A.
Other names: c.976C>A, p.Arg326Ser (NM_001173454.2); c.883C>A, p.Arg295Ser (NM_001173455.2); c.769C>A, p.Arg257Ser (NM_001173456.2); short protein forms R257S, R288S, R295S, R326S.
Identifiers: ClinVar variation 4070377 (VCV004070377.1).
Genomic context (GRCh38, chrX:19,357,682, plus strand): 5'-CTAACTAACTGCCTACCGGTTCTGTTTTAGGGGCCCATCCTGATGGAGCTGCAGACTTAC[C>A]GTTACCACGGACACAGTATGAGTGACCCTGGAGTCAGGTACGCTCATGGGCAGTGTGGTT-3'
Protein context (NP_000275.1, residues 278-298): GPILMELQTY[Arg288Ser]YHGHSMSDPG